The following is an entry in ClinVar:

ClinVar aggregate classification (germline): Likely pathogenic (1 of 4 stars; one submission).

Submission:

Labcorp Genetics (formerly Invitae), Labcorp
Classification: Likely pathogenic. Last evaluated: 2025-09-02. Review status: criteria provided, single submitter. Criteria: Invitae Variant Classification Sherloc (09022015). Collection method: clinical testing. Allele origin: germline.
Comment: This sequence change affects an acceptor splice site in intron 60 of the SZT2 gene. It is expected to disrupt RNA splicing. Variants that disrupt the donor or acceptor splice site typically lead to a loss of protein function (PMID: 16199547), and loss-of-function variants in SZT2 are known to be pathogenic (PMID: 23932106, 27248490, 28556953). This variant is not present in population databases (gnomAD no frequency). This variant has not been reported in the literature in individuals affected with SZT2-related conditions. ClinVar contains an entry for this variant (Variation ID: 2195964). Algorithms developed to predict the effect of sequence changes on RNA splicing suggest that this variant may disrupt the consensus splice site. In summary, the currently available evidence indicates that the variant is pathogenic, but additional data are needed to prove that conclusively. Therefore, this variant has been classified as Likely Pathogenic.

Literature cited by the submitters: PubMed 16199547; PubMed 23932106; PubMed 27248490; PubMed 28556953.

NM_001365999.1(SZT2):c.8626-2A>G

Gene: SZT2 (SZT2 subunit of KICSTOR complex; plus strand). Cytogenetic location: 1p34.2.
Variant type: single nucleotide variant.
Coding change: c.8626-2A>G on transcript NM_001365999.1 (MANE Select); the canonical splice acceptor site of the intron before coding-DNA position 8626, A replaced by G.
Molecular consequence: splice acceptor variant.
Genome position (GRCh38, 1-based): chr1:43,443,595, A>G. VCF-style: chr1-43443595-A-G. GRCh37 (hg19) VCF-style: chr1-43909266-A-G.
Other names: c.8455-2A>G (NM_015284.4).
Identifiers: ClinVar variation 2195964 (VCV002195964.4), dbSNP rs2545857117, ClinGen allele CA340039856.